The following is an entry in ClinVar:

NM_016222.4(DDX41):c.491G>T (p.Arg164Leu)

Gene: DDX41 (DEAD-box helicase 41; minus strand). Cytogenetic location: 5q35.3.
Variant type: single nucleotide variant.
Coding change: c.491G>T on transcript NM_016222.4 (MANE Select); coding-DNA position 491, G replaced by T.
Protein change: p.Arg164Leu; replaces arginine 164 with leucine.
Molecular consequence: missense variant.
Genome position (GRCh38, 1-based): chr5:177,515,765, C>A on the plus strand (G>T on the coding strand, the complement: DDX41 is on the minus strand). VCF-style: chr5-177515765-C-A. GRCh37 (hg19) VCF-style: chr5-176942766-C-A.
Other names: c.113G>T, p.Arg38Leu (NM_001321732.2, NM_001321830.2); short protein forms R164L, R38L.
Identifiers: ClinVar variation 4841796 (VCV004841796.1).

ClinVar aggregate classification (germline): Uncertain significance (1 of 4 stars; one submission).

Conditions:
Inborn genetic diseases. Identifiers: MedGen C0950123, MeSH D030342.

Submission:

Ambry Genetics
Classification: Uncertain significance for Inborn genetic diseases. Last evaluated: 2025-12-29. Review status: criteria provided, single submitter. Criteria: Ambry Variant Classification Scheme 2023. Collection method: clinical testing. Allele origin: germline.
Comment: The p.R164L variant (also known as c.491G>T), located in coding exon 6 of the DDX41 gene, results from a G to T substitution at nucleotide position 491. The arginine at codon 164 is replaced by leucine, an amino acid with dissimilar properties. This amino acid position is conserved. In addition, the in silico prediction for this alteration is inconclusive. Based on the available evidence, the clinical significance of this variant remains unclear.